The following is an entry in ClinVar:

ClinVar aggregate classification (germline): Likely benign (1 of 4 stars; one submission).

Submission:

CeGaT Center for Human Genetics Tuebingen
Classification: Likely benign. Last evaluated: 2025-07-01. Review status: criteria provided, single submitter. Criteria: CeGaT Center For Human Genetics Tuebingen Variant Classification Criteria Version 2. Collection method: clinical testing. Allele origin: germline. Affected: yes. Observed: 1 variant allele.
Comment: CHD2: PM2:Supporting, BP4, BP7

NM_001271.4(CHD2):c.1221C>G (p.Pro407=)

Gene: CHD2 (chromodomain helicase DNA binding protein 2; plus strand). Cytogenetic location: 15q26.1.
Variant type: single nucleotide variant.
Coding change: c.1221C>G on transcript NM_001271.4 (MANE Select); coding-DNA position 1221, C replaced by G.
Protein change: p.Pro407=; no amino-acid change (proline 407 retained).
Molecular consequence: synonymous variant.
Genome position (GRCh38, 1-based): chr15:92,946,060, C>G. VCF-style: chr15-92946060-C-G. GRCh37 (hg19) VCF-style: chr15-93489290-C-G.
Other names: c.1221C>G, p.Pro407= (NM_001042572.3).
Identifiers: ClinVar variation 4085270 (VCV004085270.8).